The following is an entry in ClinVar:

NM_001242896.3(DEPDC5):c.4520-2A>G

Gene: DEPDC5 (DEP domain containing 5, GATOR1 subcomplex subunit; plus strand). Cytogenetic location: 22q12.3.
Variant type: single nucleotide variant.
Coding change: c.4520-2A>G on transcript NM_001242896.3 (MANE Select); the canonical splice acceptor site of the intron before coding-DNA position 4520, A replaced by G.
Molecular consequence: splice acceptor variant.
Genome position (GRCh38, 1-based): chr22:31,906,203, A>G. VCF-style: chr22-31906203-A-G. GRCh37 (hg19) VCF-style: chr22-32302189-A-G.
Other names: c.4520-2A>G (NM_001364318.2); c.4493-2A>G (NM_001136029.4); c.4427-2A>G (NM_014662.6, NM_001369903.1); c.4454-2A>G (NM_001363852.2, NM_001364320.2); c.4286-2A>G (NM_001363854.2, NM_001364319.2); c.4220-2A>G (NM_001242897.2); c.4436-2A>G (NM_001369902.1, NM_001369901.1).
Identifiers: ClinVar variation 534799 (VCV000534799.8), dbSNP rs1555942859, ClinGen allele CA411292115.

ClinVar aggregate classification (germline): Uncertain significance (1 of 4 stars; one submission).

Conditions:
Familial focal epilepsy with variable foci (FPEVF). Identifiers: Orphanet 98820, MedGen C1858477, MONDO:0020310.

Submission:

Labcorp Genetics (formerly Invitae), Labcorp
Classification: Uncertain significance for Familial focal epilepsy with variable foci. Last evaluated: 2025-04-08. Review status: criteria provided, single submitter. Criteria: Invitae Variant Classification Sherloc (09022015). Collection method: clinical testing. Allele origin: germline.
Comment: This sequence change affects an acceptor splice site in intron 42 of the DEPDC5 gene. While this variant is not anticipated to result in nonsense mediated decay, it likely alters RNA splicing and results in a disrupted protein product. This variant is not present in population databases (gnomAD no frequency). Disruption of this splice site has been observed in individuals with autosomal dominant DEPDC5-related conditions (PMID: 30093711, 30868116, 33057194; internal data). This variant is also known as c.4427-2A>G. ClinVar contains an entry for this variant (Variation ID: 534799). Variants that disrupt the consensus splice site are a relatively common cause of aberrant splicing (PMID: 17576681, 9536098). Algorithms developed to predict the effect of sequence changes on RNA splicing suggest that this variant may disrupt the consensus splice site. In summary, the available evidence is currently insufficient to determine the role of this variant in disease. Therefore, it has been classified as a Variant of Uncertain Significance.

Literature cited by the submitters: PubMed 30093711; PubMed 30868116; PubMed 33057194; PubMed 17576681; PubMed 9536098.